The following is an entry in ClinVar:

NM_001267550.2(TTN):c.88740G>T (p.Val29580=)

Genes: TTN-AS1 (TTN antisense RNA 1; plus strand), TTN (titin; minus strand). Cytogenetic location: 2q31.2.
Variant type: single nucleotide variant.
Coding change: c.88740G>T on transcript NM_001267550.2 (MANE Select); coding-DNA position 88740, G replaced by T.
Protein change: p.Val29580=; no amino-acid change (valine 29580 retained).
Molecular consequence: synonymous variant.
Genome position (GRCh38, 1-based): chr2:178,554,607, C>A on the plus strand (G>T on the coding strand, the complement: TTN is on the minus strand). VCF-style: chr2-178554607-C-A. GRCh37 (hg19) VCF-style: chr2-179419334-C-A.
Other names: c.83817G>T, p.Val27939= (NM_001256850.1); c.61545G>T, p.Val20515= (NM_003319.4); c.81036G>T, p.Val27012= (NM_133378.4); c.61920G>T, p.Val20640= (NM_133432.3); c.62121G>T, p.Val20707= (NM_133437.4).
Identifiers: ClinVar variation 682205 (VCV000682205.8), dbSNP rs767611128, ClinGen allele CA430246497.

ClinVar aggregate classification (germline): Likely benign. Review status: criteria provided, multiple submitters, no conflicts (2 of 4 stars). 3 submissions from 3 submitters: Likely benign (3). Last evaluated 2024-12-08.

Conditions:
Cardiovascular phenotype. Identifiers: MedGen CN230736.
Dilated cardiomyopathy 1G (CMD1G). Identifiers: Orphanet 154, MedGen C1858763, MONDO:0011400, OMIM 604145.
Autosomal recessive limb-girdle muscular dystrophy type 2J (LGMDR10). Also called: MUSCULAR DYSTROPHY, LIMB-GIRDLE, AUTOSOMAL RECESSIVE 10; Limb-girdle muscular dystrophy, type 2J. Identifiers: Orphanet 140922, MedGen C1837342, MONDO:0012127, OMIM 608807.

gnomAD v4.1: 6 of 1,613,738 alleles (0.00037%); highest among the groups gnomAD compares: African/African-American, 0.008%; no homozygotes.

Submissions (3):

Labcorp Genetics (formerly Invitae), Labcorp
Classification: Likely benign for Dilated cardiomyopathy 1G; Autosomal recessive limb-girdle muscular dystrophy type 2J. Last evaluated: 2024-12-08. Review status: criteria provided, single submitter. Criteria: Invitae Variant Classification Sherloc (09022015). Collection method: clinical testing. Allele origin: germline.

Ambry Genetics
Classification: Likely benign for Cardiovascular phenotype. Last evaluated: 2020-09-13. Review status: criteria provided, single submitter. Criteria: Ambry Variant Classification Scheme 2023. Collection method: clinical testing. Allele origin: germline.

GeneDx
Classification: Likely benign. Last evaluated: 2018-04-13. Review status: criteria provided, single submitter. Criteria: GeneDx Variant Classification (06012015). Collection method: clinical testing. Allele origin: germline. Affected: yes.
Comment: This variant is considered likely benign or benign based on one or more of the following criteria: it is a conservative change, it occurs at a poorly conserved position in the protein, it is predicted to be benign by multiple in silico algorithms, and/or has population frequency not consistent with disease.